The following is an entry in ClinVar:

ClinVar aggregate classification (germline): Uncertain significance (1 of 4 stars; one submission).

Conditions:
Epilepsy, familial focal, with variable foci 3 (FFEVF3). Identifiers: MedGen C4310708, MONDO:0014925, OMIM 617118.

Submission:

Labcorp Genetics (formerly Invitae), Labcorp
Classification: Uncertain significance for Epilepsy, familial focal, with variable foci 3. Last evaluated: 2019-05-04. Review status: criteria provided, single submitter. Criteria: Invitae Variant Classification Sherloc (09022015). Collection method: clinical testing. Allele origin: germline.
Comment: This sequence change replaces threonine with isoleucine at codon 98 of the NPRL3 protein (p.Thr98Ile). The threonine residue is highly conserved and there is a moderate physicochemical difference between threonine and isoleucine. This variant is not present in population databases (ExAC no frequency). This variant has not been reported in the literature in individuals with NPRL3-related disease. Algorithms developed to predict the effect of missense changes on protein structure and function are either unavailable or do not agree on the potential impact of this missense change (SIFT: "Deleterious"; PolyPhen-2: "Probably Damaging"; Align-GVGD: "Class C0"). In summary, the available evidence is currently insufficient to determine the role of this variant in disease. Therefore, it has been classified as a Variant of Uncertain Significance.

NM_001077350.3(NPRL3):c.293C>T (p.Thr98Ile)

Genes: HBA-LCR (alpha-globin locus control region; plus strand), NPRL3 (NPR3 like, GATOR1 complex subunit; minus strand). Cytogenetic location: 16p13.3.
Variant type: single nucleotide variant.
Coding change: c.293C>T on transcript NM_001077350.3 (MANE Select); coding-DNA position 293, C replaced by T.
Protein change: p.Thr98Ile; replaces threonine 98 with isoleucine.
Molecular consequence: missense variant. On other transcripts: intron variant (1).
Genome position (GRCh38, 1-based): chr16:119,151, G>A on the plus strand (C>T on the coding strand, the complement: NPRL3 is on the minus strand). VCF-style: chr16-119151-G-A. GRCh37 (hg19) VCF-style: chr16-169150-G-A.
Other names: c.59C>T, p.Thr20Ile (NM_001243247.2); c.293C>T, p.Thr98Ile (NM_001243248.2, NM_001243249.2); c.-144-6376C>T (NM_001039476.3); short protein forms T20I, T98I.
Identifiers: ClinVar variation 640488 (VCV000640488.9), dbSNP rs1596528750, ClinGen allele CA393995241.